The following is an entry in ClinVar:

ClinVar aggregate classification (germline): Pathogenic (1 of 4 stars; one submission).

Conditions:
Hereditary hemochromatosis (HFE). Identifiers: MedGen C0392514, MONDO:0006507. Disease mechanism: loss of function.

Submission:

Labcorp Genetics (formerly Invitae), Labcorp
Classification: Pathogenic for Hereditary hemochromatosis. Last evaluated: 2024-02-06. Review status: criteria provided, single submitter. Criteria: Invitae Variant Classification Sherloc (09022015). Collection method: clinical testing. Allele origin: germline.
Comment: This sequence change creates a premature translational stop signal (p.Leu615Profs*177) in the TFR2 gene. While this is not anticipated to result in nonsense mediated decay, it is expected to disrupt the last 187 amino acid(s) of the TFR2 protein. This variant is not present in population databases (gnomAD no frequency). This premature translational stop signal has been observed in individual(s) with hereditary hemochromatosis (PMID: 24055163). This variant is also known as c.1841_1842insG. This variant disrupts a region of the TFR2 protein in which other variant(s) (p.Gly792Arg) have been determined to be pathogenic (PMID: 16424658, 26029709). This suggests that this is a clinically significant region of the protein, and that variants that disrupt it are likely to be disease-causing. For these reasons, this variant has been classified as Pathogenic.

Literature cited by the submitters: PubMed 24055163; PubMed 16424658; PubMed 26029709.

NM_003227.4(TFR2):c.1841dup (p.Leu615fs)

Gene: TFR2 (transferrin receptor 2; minus strand). Cytogenetic location: 7q22.1.
Variant type: Duplication.
Coding change: c.1841dup on transcript NM_003227.4 (MANE Select); coding-DNA position 1841, one base duplicated (G; older notation c.1841dupG).
Protein change: p.Leu615fs; shifts the reading frame from leucine 615.
Molecular consequence: frameshift variant.
Genome position (GRCh38, 1-based): chr7:100,627,418, C duplicated on the plus strand (G on the coding strand, the reverse complement: TFR2 is on the minus strand). VCF-style (leftmost placement, unchanged base first): chr7-100627417-G-GC. GRCh37 (hg19) VCF-style: chr7-100225040-G-GC.
Other names: c.1328dup, p.Leu444fs (NM_001206855.3); short protein forms L615fs, L444fs.
Identifiers: ClinVar variation 2735061 (VCV002735061.3), dbSNP rs2486117611, ClinGen allele CA2695208212.